The following is an entry in ClinVar:

ClinVar aggregate classification (germline): Uncertain significance (1 of 4 stars; one submission).

Allele frequency attached by ClinVar (database versions not stated): gnomAD exomes below 0.00001.
gnomAD v4.1: 1 of 1,613,428 alleles (0.000062%); highest among the groups gnomAD compares: East Asian, 0.0022%; no homozygotes.

Submission:

Labcorp Genetics (formerly Invitae), Labcorp
Classification: Uncertain significance. Last evaluated: 2022-11-01. Review status: criteria provided, single submitter. Criteria: Invitae Variant Classification Sherloc (09022015). Collection method: clinical testing. Allele origin: germline.
Comment: This sequence change replaces serine, which is neutral and polar, with arginine, which is basic and polar, at codon 52 of the EIF2B2 protein (p.Ser52Arg). This variant is not present in population databases (gnomAD no frequency). This variant has not been reported in the literature in individuals affected with EIF2B2-related conditions. Advanced modeling of protein sequence and biophysical properties (such as structural, functional, and spatial information, amino acid conservation, physicochemical variation, residue mobility, and thermodynamic stability) performed at Invitae indicates that this missense variant is not expected to disrupt EIF2B2 protein function. In summary, the available evidence is currently insufficient to determine the role of this variant in disease. Therefore, it has been classified as a Variant of Uncertain Significance.

NM_014239.4(EIF2B2):c.156C>A (p.Ser52Arg)

Gene: EIF2B2 (eukaryotic translation initiation factor 2B subunit beta; plus strand). Cytogenetic location: 14q24.3.
Variant type: single nucleotide variant.
Coding change: c.156C>A on transcript NM_014239.4 (MANE Select); coding-DNA position 156, C replaced by A.
Protein change: p.Ser52Arg; replaces serine 52 with arginine.
Molecular consequence: missense variant.
Genome position (GRCh38, 1-based): chr14:75,003,146, C>A. VCF-style: chr14-75003146-C-A. GRCh37 (hg19) VCF-style: chr14-75469849-C-A.
Other names: short protein forms S52R.
Identifiers: ClinVar variation 1956261 (VCV001956261.2), dbSNP rs2503003424, ClinGen allele CA390423684.